The following is an entry in ClinVar:

ClinVar aggregate classification (germline): Likely benign (0 of 4 stars; one submission).

Conditions:
HARS2-related disorder. Also called: HARS2-related condition.

Allele frequency attached by ClinVar (database versions not stated): TOPMed 0.00007; gnomAD exomes 0.00011; gnomAD 0.00019; ExAC 0.00055; 1000 Genomes Project 0.00140; 1000 Genomes Project 30x 0.00141.
gnomAD v4.1: 238 of 1,608,216 alleles (0.015%); highest among the groups gnomAD compares: East Asian, 0.18%; 5 homozygotes.

Submission:

PreventionGenetics, part of Exact Sciences
Classification: Likely benign for HARS2-related condition. Last evaluated: 2019-08-16. Review status: no assertion criteria provided. Collection method: clinical testing. Allele origin: germline.
Comment: This variant is classified as likely benign based on ACMG/AMP sequence variant interpretation guidelines (Richards et al. 2015 PMID: 25741868, with internal and published modifications).

NM_012208.4(HARS2):c.109-92G>A

Gene: HARS2 (histidyl-tRNA synthetase 2, mitochondrial; plus strand). Cytogenetic location: 5q31.3.
Variant type: single nucleotide variant.
Coding change: c.109-92G>A on transcript NM_012208.4 (MANE Select); 92 bases into the intron before coding-DNA position 109, G replaced by A.
Molecular consequence: intron variant. On other transcripts: 5 prime UTR variant (1), synonymous variant (1).
Genome position (GRCh38, 1-based): chr5:140,693,499, G>A. VCF-style: chr5-140693499-G-A. GRCh37 (hg19) VCF-style: chr5-140073084-G-A.
Other names: c.-194G>A (NM_001278732.2); c.117G>A, p.Glu39= (NM_001363535.2); c.109-436G>A (NM_001278731.2); c.-102-92G>A (NM_001363536.2).
Identifiers: ClinVar variation 3053102 (VCV003053102.2), dbSNP rs369880298, ClinGen allele CA3444287.
Genomic context (GRCh38, chr5:140,693,499, plus strand): 5'-TGGGACTGAGATTGGGATAGATGAAATGGTGCTTTGGCTTCCTGTTGCTCAGGGTGAAGA[G>A]TCTTTGCAGGTTGGTGGTCAACAGGGTCAGAGATGCCACAGGTCTGGCCAGTGTCCAGAG-3'